The following is an entry in ClinVar:

ClinVar aggregate classification (germline): Uncertain significance (1 of 4 stars; one submission).

Conditions:
Epidermolysis bullosa simplex with nail dystrophy (EBS5D). Identifiers: MedGen C4225309, MONDO:0014661, OMIM 616487.
Epidermolysis bullosa simplex, Ogna type (EBS5A). Also called: EPIDERMOLYSIS BULLOSA SIMPLEX 5A, OGNA TYPE; Pidermolysis bullosa simplex 5A, Ogna type. Identifiers: Orphanet 79401, MedGen C0432317, MONDO:0007555, OMIM 131950.
Autosomal recessive limb-girdle muscular dystrophy type 2Q (LGMDR17). Also called: MUSCULAR DYSTROPHY, LIMB-GIRDLE, AUTOSOMAL RECESSIVE 17. Identifiers: Orphanet 254361, MedGen C3150989, MONDO:0013390, OMIM 613723.
Epidermolysis bullosa simplex 5B, with muscular dystrophy (EBS5B). Also called: EPIDERMOLYSIS BULLOSA SIMPLEX AND LIMB-GIRDLE MUSCULAR DYSTROPHY; Epidermolysis bullosa simplex with muscular dystrophy. Identifiers: Orphanet 257, MedGen C2931072, MONDO:0009181, OMIM 226670.
Epidermolysis bullosa simplex 5C, with pyloric atresia (EBS5C). Also called: PLEC1-Related Epidermolysis Bullosa with Pyloric Atresia; PLEC-Related Epidermolysis Bullosa with Pyloric Atresia; Epidermolysis bullosa simplex with pyloric atresia. Identifiers: Orphanet 158684, MedGen C2677349, MONDO:0012807, OMIM 612138.

Submission:

Labcorp Genetics (formerly Invitae), Labcorp
Classification: Uncertain significance for Autosomal recessive limb-girdle muscular dystrophy type 2Q; Epidermolysis bullosa simplex, Ogna type; Epidermolysis bullosa simplex with nail dystrophy; Epidermolysis bullosa simplex 5C, with pyloric atresia; Epidermolysis bullosa simplex 5B, with muscular dystrophy. Last evaluated: 2024-09-12. Review status: criteria provided, single submitter. Criteria: Invitae Variant Classification Sherloc (09022015). Collection method: clinical testing. Allele origin: germline.
Comment: This sequence change replaces isoleucine, which is neutral and non-polar, with phenylalanine, which is neutral and non-polar, at codon 1881 of the PLEC protein (p.Ile1881Phe). This variant is not present in population databases (gnomAD no frequency). This variant has not been reported in the literature in individuals affected with PLEC-related conditions. Experimental studies and prediction algorithms are not available or were not evaluated, and the functional significance of this variant is currently unknown. In summary, the available evidence is currently insufficient to determine the role of this variant in disease. Therefore, it has been classified as a Variant of Uncertain Significance.

NM_201384.3(PLEC):c.5560A>T (p.Ile1854Phe)

Gene: PLEC (plectin; minus strand). Cytogenetic location: 8q24.3.
Variant type: single nucleotide variant.
Coding change: c.5560A>T on transcript NM_201384.3 (MANE Select); coding-DNA position 5560, A replaced by T.
Protein change: p.Ile1854Phe; replaces isoleucine 1854 with phenylalanine.
Molecular consequence: missense variant. On other transcripts: intron variant (1).
Genome position (GRCh38, 1-based): chr8:143,924,369, T>A on the plus strand (A>T on the coding strand, the complement: PLEC is on the minus strand). VCF-style: chr8-143924369-T-A. GRCh37 (hg19) VCF-style: chr8-144998537-T-A.
Other names: c.5641A>T, p.Ile1881Phe (NM_000445.5); c.5518A>T, p.Ile1840Phe (NM_201378.4); c.5494A>T, p.Ile1832Phe (NM_201379.3); c.5971A>T, p.Ile1991Phe (NM_201380.4); c.5464A>T, p.Ile1822Phe (NM_201381.3); c.5560A>T, p.Ile1854Phe (NM_201382.4); c.5572A>T, p.Ile1858Phe (NM_201383.3); c.4126-1974A>T (NM_001410941.1); short protein forms I1822F, I1832F, I1840F, I1854F, I1858F, I1881F, I1991F.
Identifiers: ClinVar variation 3758682 (VCV003758682.2).